The following is an entry in ClinVar:

ClinVar aggregate classification (germline): Pathogenic. Review status: reviewed by expert panel (3 of 4 stars). 6 submissions from 6 submitters: Pathogenic (1). 5 of the submissions do not count toward it. Last evaluated 2025-08-01.

Conditions:
RPGR-related retinopathy. Also called: RPGR retinopathy. Identifiers: MedGen CN305589, MONDO:0100437.
Retinitis pigmentosa 3. Also called: CHOROIDORETINAL DEGENERATION WITH RETINAL REFLEX IN HETEROZYGOUS WOMEN. Identifiers: Orphanet 791, MedGen C1845667, MONDO:0010227, OMIM 300029.
RPGR-related disorder. Also called: RPGR-related condition.
Primary ciliary dyskinesia. Also called: Ciliary dyskinesia. Identifiers: Orphanet 244, MedGen C0008780, MONDO:0016575, HP:0012265.

Submissions (6):

ClinGen X-linked Inherited Retinal Disease Variant Curation Expert Panel, ClinGen
Classification: Pathogenic for RPGR-related retinopathy. Last evaluated: 2025-08-01. Review status: reviewed by expert panel. Criteria: ClinGen X LinkedIRD ACMG Specifications RPGR V1.0.0. Collection method: curation. Allele origin: germline. Inheritance: X-linked inheritance.
Comment: NM_001034853.2(RPGR):c.1512_1513del (p.Ile505HisfsTer7) is a 2-bp deletion variant in exon 13 of 15, which results in a frameshift and premature stop codon after 7 amino acids and is predicted to trigger nonsense-mediated decay (PVS1). This variant is absent from gnomAD v4.1.0 (PM2_Supporting). The variant has been reported to segregate with retinal dystrophy through at least 3 affected meioses from 1 family. (PP1_Moderate; PMID: 9488274). At least one proband harboring this variant exhibits a phenotype including a family history consistent with X-linked inheritance (2 pts), childhood-onset (1 pt), mild myopia, pale optic discs (0.5 pts), visual field constriction (0.5 pts), and reduced visual acuity (0.5 pts), which together are specific for RPGR-related retinopathy (4.5 points, PMID: 9488274, PP4). In summary, this variant is classified as pathogenic for RPGR-related retinopathy based on the ClinGen X-linked Inherited Retinal Disease Expert Panel Specifications to the ACMG/AMP Variant Interpretation Guidelines for RPGR Version 1.0.0; PVS1, PM2_Supporting, PP1_Moderate, and PP4. (date of approval 05/16/2025).

Labcorp Genetics (formerly Invitae), Labcorp
Classification: Pathogenic for Primary ciliary dyskinesia. Last evaluated: 2025-09-10. Review status: criteria provided, single submitter. Criteria: Invitae Variant Classification Sherloc (09022015). Collection method: clinical testing. Allele origin: germline. Not counted in ClinVar's aggregate classification.
Comment: This sequence change creates a premature translational stop signal (p.Ile505Hisfs*7) in the RPGR gene. It is expected to result in an absent or disrupted protein product. Loss-of-function variants in RPGR are known to be pathogenic (PMID: 16055928, 16969763). This variant is not present in population databases (gnomAD no frequency). This premature translational stop signal has been observed in individual(s) with retinitis pigmentosa (PMID: 9399904). This variant is also known as del1571/1572. For these reasons, this variant has been classified as Pathogenic.

Dasa
Classification: Pathogenic. Last evaluated: 2024-05-14. Review status: criteria provided, single submitter. Criteria: DASA Assertion Criteria. Collection method: clinical testing. Allele origin: germline. Not counted in ClinVar's aggregate classification.
Comment: NM_001034853.2(RPGR):c.1512_1513del (p.Ile505Hisfs*7) is a frameshift variant in RPGR predicted to alter the reading frame and introduce a premature termination codon and is predicted to result in an absent or altered protein product. Loss of function is an established disease mechanism for RPGR-associated disorders. This variant has been reported in individuals with RPGR-related disorders. Also, this variant is absent from population databases. Based on the currently available evidence, this variant is classified as pathogenic.

Blueprint Genetics
Classification: Pathogenic for RPGR-related disorders. Last evaluated: 2021-12-23. Review status: criteria provided, single submitter. Criteria: ACMG Guidelines, 2015. Collection method: clinical testing. Allele origin: germline. Affected: yes. Observed: 3 variant alleles. Not counted in ClinVar's aggregate classification.

OMIM
Classification: Pathogenic for RETINITIS PIGMENTOSA 3. Last evaluated: 1998-02-01. Review status: no assertion criteria provided. Collection method: literature only. Allele origin: germline. Not counted in ClinVar's aggregate classification.

Retina International
No classification provided. Review status: no classification provided. Collection method: not provided. Allele origin: not provided. Not counted in ClinVar's aggregate classification.

Literature cited by the submitters: PubMed 16055928 (cited by Labcorp Genetics (formerly Invitae), Labcorp); PubMed 16969763 (cited by Labcorp Genetics (formerly Invitae), Labcorp); PubMed 9399904 (cited by Labcorp Genetics (formerly Invitae), Labcorp); PubMed 9488274 (cited by OMIM).

NM_001034853.2(RPGR):c.1512_1513del (p.Ile505fs)

Gene: RPGR (retinitis pigmentosa GTPase regulator; minus strand). Cytogenetic location: Xp11.4.
Variant type: Microsatellite.
Coding change: c.1512_1513del on transcript NM_001034853.2 (MANE Select); coding-DNA positions 1512 to 1513, 2 bases deleted (CA; older notation c.1512_1513delCA).
Protein change: p.Ile505fs; shifts the reading frame from isoleucine 505.
Molecular consequence: frameshift variant. On other transcripts: non-coding transcript variant (6).
Genome position (GRCh38, 1-based): chrX:38,291,018-38,291,019, TG deleted on the plus strand (CA on the coding strand, the reverse complement: RPGR is on the minus strand); deleting any 2 consecutive bases within chrX:38,291,018-38,291,024 gives the same sequence; the c. name uses the placement nearest the transcript's 3' end. VCF-style (leftmost placement, unchanged base first): chrX-38291017-ATG-A. GRCh37 (hg19) VCF-style: chrX-38150270-ATG-A.
Other names: NM_001034853.2(RPGR):c.1512_1513del; p.Ile505fs; c.1512_1513del, p.Ile505fs (NM_000328.3, NM_001367247.1); c.1509_1510del, p.Ile504fs (NM_001367245.1, NM_001367249.1, NM_001367250.1); c.1326_1327del, p.Ile443fs (NM_001367246.1, NM_001367251.1); c.1542_1543del, p.Ile515fs (NM_001367248.1); short protein forms I504fs, I443fs, I515fs, I505fs.
Identifiers: ClinVar variation 98746 (VCV000098746.12), dbSNP rs281865304, ClinGen allele CA226367.
Genomic context (GRCh38, chrX:38,291,017, plus strand): 5'-ACCTTTTGTTTCTGAACTGGTGATAATTTTAATGACTTTTCATTGGAATTCAGGCTCATG[ATG>A]TGTGTCTGAAATAAATAAAAAATATATATTATAAAAAGAATACAGTATATATACTATATA-3'